The following is an entry in ClinVar:

ClinVar aggregate classification (germline): Uncertain significance. Review status: criteria provided, multiple submitters, no conflicts (2 of 4 stars). 2 submissions from 2 submitters: Uncertain significance (2). Last evaluated 2025-06-19.

Conditions:
Wilson disease (WND). Also called: Wilson's disease. Identifiers: Orphanet 905, MedGen C0019202, MONDO:0010200, OMIM 277900. Disease mechanism: loss of function.

gnomAD v4.1: 3 of 1,614,122 alleles (0.00019%); highest among the groups gnomAD compares: African/African-American, 0.0013%; no homozygotes.

Submissions (2):

Color Diagnostics, LLC DBA Color Health
Classification: Uncertain significance for Wilson disease. Last evaluated: 2025-06-19. Review status: criteria provided, single submitter. Criteria: ACMG Guidelines, 2015. Collection method: clinical testing. Allele origin: germline.
Comment: This missense variant replaces serine with threonine at codon 1211 of the ATP7B protein. Computational prediction suggests that this variant may not impact protein structure and function. To our knowledge, functional studies have not been reported for this variant. This variant has not been reported in individuals affected with ATP7B-related disorders in the literature. This variant has not been identified in the general population by the Genome Aggregation Database (gnomAD). The available evidence is insufficient to determine the role of this variant in disease conclusively. Therefore, this variant is classified as a Variant of Uncertain Significance.

Fulgent Genetics
Classification: Uncertain significance for Wilson disease. Last evaluated: 2024-05-25. Review status: criteria provided, single submitter. Criteria: ACMG Guidelines, 2015. Collection method: clinical testing. Allele origin: germline.

NM_000053.4(ATP7B):c.3632G>C (p.Ser1211Thr)

Gene: ATP7B (ATPase copper transporting beta; minus strand). Cytogenetic location: 13q14.3.
Variant type: single nucleotide variant.
Coding change: c.3632G>C on transcript NM_000053.4 (MANE Select); coding-DNA position 3632, G replaced by C.
Protein change: p.Ser1211Thr; replaces serine 1211 with threonine.
Molecular consequence: missense variant.
Genome position (GRCh38, 1-based): chr13:51,939,118, C>G on the plus strand (G>C on the coding strand, the complement: ATP7B is on the minus strand). VCF-style: chr13-51939118-C-G. GRCh37 (hg19) VCF-style: chr13-52513254-C-G.
Other names: c.3536G>C, p.Ser1179Thr (NM_001406517.1, NM_001406518.1); c.3497G>C, p.Ser1166Thr (NM_001406519.1); c.3488G>C, p.Ser1163Thr (NM_001406520.1, NM_001406521.1, NM_001406522.1); c.3011G>C, p.Ser1004Thr (NM_001005918.3); c.3299G>C, p.Ser1100Thr (NM_001243182.2); c.3398G>C, p.Ser1133Thr (NM_001330578.2, NM_001406527.1, NM_001406528.1); c.3380G>C, p.Ser1127Thr (NM_001330579.2, NM_001406531.1, NM_001406532.1); c.3632G>C, p.Ser1211Thr (NM_001406511.1, NM_001406512.1, NM_001406526.1); and 20 more; short protein forms S1047T, S1049T, S1085T, S1098T, S1101T, S1146T, S1163T, S1209T.
Identifiers: ClinVar variation 3576283 (VCV003576283.2).